The following is an entry in ClinVar:

ClinVar aggregate classification (germline): Uncertain significance (1 of 4 stars; one submission).

Submission:

Labcorp Genetics (formerly Invitae), Labcorp
Classification: Uncertain significance. Last evaluated: 2025-05-21. Review status: criteria provided, single submitter. Criteria: Invitae Variant Classification Sherloc (09022015). Collection method: clinical testing. Allele origin: germline.
Comment: This sequence change replaces cysteine, which is neutral and slightly polar, with serine, which is neutral and polar, at codon 305 of the CA4 protein (p.Cys305Ser). This variant is not present in population databases (gnomAD no frequency). This variant has not been reported in the literature in individuals affected with CA4-related conditions. ClinVar contains an entry for this variant (Variation ID: 2798263). An algorithm developed to predict the effect of missense changes on protein structure and function (PolyPhen-2) suggests that this variant is likely to be tolerated. In summary, the available evidence is currently insufficient to determine the role of this variant in disease. Therefore, it has been classified as a Variant of Uncertain Significance.

NM_000717.5(CA4):c.914G>C (p.Cys305Ser)

Gene: CA4 (carbonic anhydrase 4; plus strand). Cytogenetic location: 17q23.1.
Variant type: single nucleotide variant.
Coding change: c.914G>C on transcript NM_000717.5 (MANE Select); coding-DNA position 914, G replaced by C.
Protein change: p.Cys305Ser; replaces cysteine 305 with serine.
Molecular consequence: missense variant. On other transcripts: non-coding transcript variant (1).
Genome position (GRCh38, 1-based): chr17:60,159,399, G>C. VCF-style: chr17-60159399-G-C. GRCh37 (hg19) VCF-style: chr17-58236760-G-C.
Other names: short protein forms C305S.
Identifiers: ClinVar variation 2798263 (VCV002798263.3), dbSNP rs2544528414, ClinGen allele CA400460820.
Genomic context (GRCh38, chr17:60,159,399, plus strand): 5'-GGGCCCCGGGTCGGCCGCTGCCCTGGGCCCTGCCTGCCCTGCTGGGCCCCATGCTGGCCT[G>C]CCTGCTGGCCGGCTTCCTGCGATGATGGCTCACTTCTGCACGCAGCCTCTCTGTTGCCTC-3'
Protein context (NP_000708.1, residues 295-312): LPALLGPMLA[Cys305Ser]LLAGFLR